The following is an entry in ClinVar:

ClinVar aggregate classification (germline): Likely benign (0 of 4 stars; one submission).

Conditions:
ACTN4-related disorder. Also called: ACTN4-related condition.

Allele frequency attached by ClinVar (database versions not stated): ExAC 0.00001; gnomAD 0.00001.
gnomAD v4.1: 37 of 1,609,120 alleles (0.0023%); highest among the groups gnomAD compares: Non-Finnish European, 0.0028%; no homozygotes.

Submission:

PreventionGenetics, part of Exact Sciences
Classification: Likely benign for ACTN4-related condition. Last evaluated: 2022-02-28. Review status: no assertion criteria provided. Collection method: clinical testing. Allele origin: germline.
Comment: This variant is classified as likely benign based on ACMG/AMP sequence variant interpretation guidelines (Richards et al. 2015 PMID: 25741868, with internal and published modifications).

NM_004924.6(ACTN4):c.1275C>T (p.His425=)

Gene: ACTN4 (actinin alpha 4; plus strand). Cytogenetic location: 19q13.2.
Variant type: single nucleotide variant.
Coding change: c.1275C>T on transcript NM_004924.6 (MANE Select); coding-DNA position 1275, C replaced by T.
Protein change: p.His425=; no amino-acid change (histidine 425 retained).
Molecular consequence: synonymous variant.
Genome position (GRCh38, 1-based): chr19:38,718,058, C>T. VCF-style: chr19-38718058-C-T. GRCh37 (hg19) VCF-style: chr19-39208698-C-T.
Other names: c.1275C>T, p.His425= (NM_001322033.2, NM_001411143.1).
Identifiers: ClinVar variation 3046818 (VCV003046818.2), dbSNP rs779211830, ClinGen allele CA9417561.
Genomic context (GRCh38, chr19:38,718,058, plus strand): 5'-CCGCAGGCTGGAGCGGCTCGACCACCTGGCAGAGAAGTTCCGGCAGAAGGCCTCCATCCA[C>T]GAGGCCTGGACTGACGGTACGGCCCAGCTCTGCCCCACTCTGCCCAGCCCCGCTCCCGTG-3'
Protein context (NP_004915.2, residues 415-435): AEKFRQKASI[His425=]EAWTDGKEAM